The following is an entry in ClinVar:

ClinVar aggregate classification (germline): Uncertain significance (1 of 4 stars; one submission).

Submission:

Labcorp Genetics (formerly Invitae), Labcorp
Classification: Uncertain significance. Last evaluated: 2022-11-01. Review status: criteria provided, single submitter. Criteria: Invitae Variant Classification Sherloc (09022015). Collection method: clinical testing. Allele origin: germline.
Comment: This sequence change falls in intron 2 of the NKX2-1 gene. It does not directly change the encoded amino acid sequence of the NKX2-1 protein. This variant is not present in population databases (gnomAD no frequency). This variant has not been reported in the literature in individuals affected with NKX2-1-related conditions. ClinVar contains an entry for this variant (Variation ID: 1390200). Algorithms developed to predict the effect of sequence changes on RNA splicing suggest that this variant may disrupt the consensus splice site. In summary, the available evidence is currently insufficient to determine the role of this variant in disease. Therefore, it has been classified as a Variant of Uncertain Significance.

NM_001079668.3(NKX2-1):c.464-6T>G

Genes: NKX2-1 (NK2 homeobox 1; minus strand), SFTA3 (surfactant associated 3; minus strand). Cytogenetic location: 14q13.3.
Variant type: single nucleotide variant.
Coding change: c.464-6T>G on transcript NM_001079668.3 (MANE Select); 6 bases into the intron before coding-DNA position 464, T replaced by G.
Molecular consequence: intron variant.
Genome position (GRCh38, 1-based): chr14:36,518,026, A>C on the plus strand (T>G on the coding strand, the complement: NKX2-1 is on the minus strand). VCF-style: chr14-36518026-A-C. GRCh37 (hg19) VCF-style: chr14-36987231-A-C.
Other names: c.374-6T>G (NM_003317.4).
Identifiers: ClinVar variation 1390200 (VCV001390200.8), dbSNP rs2139408344, ClinGen allele CA2573149920.